The following is an entry in ClinVar:

NM_000059.4(BRCA2):c.9275A>T (p.Tyr3092Phe)

Gene: BRCA2 (BRCA2 DNA repair associated; plus strand). Cytogenetic location: 13q13.1.
Variant type: single nucleotide variant.
Coding change: c.9275A>T on transcript NM_000059.4 (MANE Select); coding-DNA position 9275, A replaced by T.
Protein change: p.Tyr3092Phe; replaces tyrosine 3092 with phenylalanine.
Molecular consequence: missense variant.
Genome position (GRCh38, 1-based): chr13:32,394,707, A>T. VCF-style: chr13-32394707-A-T. GRCh37 (hg19) VCF-style: chr13-32968844-A-T.
Other names: short protein forms Y3092F.
Identifiers: ClinVar variation 91522 (VCV000091522.32), dbSNP rs80359195, ClinGen allele CA026082.
Genomic context (GRCh38, chr13:32,394,707, plus strand): 5'-ACACATCTATAATAACATTCTTTTCTTTTTTTTCCATTCTAGGACTTGCCCCTTTCGTCT[A>T]TTTGTCAGACGAATGTTACAATTTACTGGCAATAAAGTTTTGGATAGACCTTAATGAGGA-3'
Protein context (NP_000050.3, residues 3082-3102): VKKTGLAPFV[Tyr3092Phe]LSDECYNLLA

ClinVar aggregate classification (germline): Conflicting classifications of pathogenicity. Review status: criteria provided, conflicting classifications (1 of 4 stars). 11 submissions from 11 submitters: Uncertain significance (9); Likely benign (1). 1 of the submissions does not count toward it. Last evaluated 2026-04-14.

Conditions:
BRCA2-related cancer predisposition. Identifiers: MedGen CN377758, MONDO:0700269.
Breast-ovarian cancer, familial, susceptibility to, 2 (BROVCA2). Also called: BRCA2 Hereditary Breast and Ovarian Cancer. Identifiers: Orphanet 145, MedGen C2675520, MONDO:0012933, OMIM 612555. Disease mechanism: loss of function.
Fanconi anemia complementation group D1. Also called: BRCA2-Related Fanconi Anemia. Identifiers: Orphanet 319462, MedGen C1838457, MONDO:0011584, OMIM 605724.
Medulloblastoma (MDB). Also called: MEDULLOBLASTOMA PREDISPOSITION SYNDROME; Medulloblastoma, somatic. Identifiers: Orphanet 616, MedGen C0025149, MeSH D008527, MONDO:0007959, OMIM 155255, HP:0002885.
Pancreatic cancer, susceptibility to, 2. Identifiers: Orphanet 1333, MedGen C3150546, MONDO:0013235, OMIM 613347.
Glioma susceptibility 3 (GLM3). Also called: Glioblastoma 3. Identifiers: Orphanet 182067, Orphanet 360, MedGen C2751641, MONDO:0013093, OMIM 613029.
Wilms tumor 1 (WT1). Also called: Wilms tumor, somatic. Identifiers: Orphanet 654, MedGen CN033288, MONDO:0008679, OMIM 194070.
Familial cancer of breast. Also called: hereditary breast carcinoma; BREAST CANCER, FAMILIAL; Hereditary breast cancer. Identifiers: Orphanet 227535, MedGen C0346153, MONDO:0016419, OMIM 114480. Disease mechanism: loss of function.
Prostate cancer. Also called: Malignant tumor of prostate. Identifiers: Orphanet 1331, MedGen C0376358, MONDO:0008315, HP:0012125.
Hereditary cancer-predisposing syndrome. Also called: Hereditary Cancer Syndrome; Neoplastic Syndromes, Hereditary; Hereditary neoplastic syndrome; Tumor predisposition. Identifiers: Orphanet 140162, MedGen C0027672, MeSH D009386, MONDO:0015356.
Hereditary breast ovarian cancer syndrome. Also called: Hereditary breast and ovarian cancer syndrome; Breast and ovarian cancer; Hereditary breast and ovarian cancer syndrome (HBOC); BRCA1- and BRCA2-Associated Hereditary Breast and Ovarian Cancer; Hereditary breast and/or ovarian cancer syndrome; Hereditary breast and ovarian cancer. Identifiers: Orphanet 145, MedGen C0677776, MeSH D061325, MONDO:0003582. Disease mechanism: loss of function.

gnomAD v4.1: 3 of 1,613,410 alleles (0.00019%); highest among the groups gnomAD compares: Admixed American, 0.005%; no homozygotes.

Submissions (11):

Women's Health and Genetics/Laboratory Corporation of America, LabCorp
Classification: Uncertain significance. Last evaluated: 2026-04-14. Review status: criteria provided, single submitter. Criteria: LabCorp Variant Classification Summary - May 2015. Collection method: clinical testing. Allele origin: germline.
Comment: Variant summary: BRCA2 c.9275A>T (p.Tyr3092Phe) results in a conservative amino acid change located in the BRCA2, OB3 domain of the encoded protein sequence. Algorithms developed to predict the effect of missense changes on protein structure and function are either unavailable or do not agree on the potential impact of this missense change. The variant allele was found at a frequency of 1.2e-05 in 250616 control chromosomes. The available data on variant occurrences in the general population are insufficient to allow any conclusion about variant significance. To our knowledge, c.9275A>T has not been observed in individual(s) affected with Hereditary Breast And Ovarian Cancer Syndrome and no experimental evidence demonstrating an impact on protein function has been reported. ClinVar contains an entry for this variant (Variation ID: 91522). Based on the evidence outlined above, the variant was classified as uncertain significance.

Labcorp Genetics (formerly Invitae), Labcorp
Classification: Uncertain significance for Hereditary breast ovarian cancer syndrome. Last evaluated: 2025-12-21. Review status: criteria provided, single submitter. Criteria: Invitae Variant Classification Sherloc (09022015). Collection method: clinical testing. Allele origin: germline.
Comment: This sequence change replaces tyrosine, which is neutral and polar, with phenylalanine, which is neutral and non-polar, at codon 3092 of the BRCA2 protein (p.Tyr3092Phe). This variant is present in population databases (rs80359195, gnomAD 0.006%). This variant has not been reported in the literature in individuals affected with BRCA2-related conditions. ClinVar contains an entry for this variant (Variation ID: 91522). Invitae Evidence Modeling of protein sequence and biophysical properties (such as structural, functional, and spatial information, amino acid conservation, physicochemical variation, residue mobility, and thermodynamic stability) indicates that this missense variant is not expected to disrupt BRCA2 protein function with a negative predictive value of 95%. In summary, the available evidence is currently insufficient to determine the role of this variant in disease. Therefore, it has been classified as a Variant of Uncertain Significance.

Ambry Genetics
Classification: Likely benign for Hereditary cancer-predisposing syndrome. Last evaluated: 2025-05-15. Review status: criteria provided, single submitter. Criteria: Ambry Variant Classification Scheme 2023. Collection method: clinical testing. Allele origin: germline.

All of Us Research Program, National Institutes of Health
Classification: Uncertain significance for BRCA2-related cancer predisposition. Last evaluated: 2024-08-23. Review status: criteria provided, single submitter. Criteria: ACMG Guidelines, 2015. Collection method: clinical testing. Allele origin: germline. Inheritance: Autosomal dominant inheritance. Observed: 2 variant alleles, 2 heterozygotes.
Comment: This missense variant replaces tyrosine with phenylalanine at codon 3092 of the BRCA2 protein. Computational prediction is inconclusive regarding the impact of this variant on protein structure and function (internally defined REVEL score threshold 0.5 < inconclusive < 0.7, PMID: 27666373). To our knowledge, functional studies have not been reported for this variant. This variant has not been reported in individuals affected with hereditary cancer in the literature. This variant has been identified in 3/250616 chromosomes in the general population by the Genome Aggregation Database (gnomAD). The available evidence is insufficient to determine the role of this variant in disease conclusively. Therefore, this variant is classified as a Variant of Uncertain Significance.

This study involves interpretation of variants in research participants for the purpose of population health screening. Participant phenotype was not available at the time of variant classification. Additional details can be found in publication PMID: 35346344, PMCID: PMC8962531

Color Diagnostics, LLC DBA Color Health
Classification: Uncertain significance for Hereditary cancer-predisposing syndrome. Last evaluated: 2024-08-08. Review status: criteria provided, single submitter. Criteria: ACMG Guidelines, 2015. Collection method: clinical testing. Allele origin: germline.
Comment: This missense variant replaces tyrosine with phenylalanine at codon 3092 of the BRCA2 protein. Computational prediction is inconclusive regarding the impact of this variant on protein structure and function. To our knowledge, functional studies have not been reported for this variant. A multifactorial analysis has reported a likelihood ratio based on personal and family history of 0.653 from log(LR)=-0.184999838 (PMID: 31853058). This variant has been identified in 3/250616 chromosomes in the general population by the Genome Aggregation Database (gnomAD). The available evidence is insufficient to determine the role of this variant in disease conclusively. Therefore, this variant is classified as a Variant of Uncertain Significance.

Baylor Genetics
Classification: Uncertain significance for Familial cancer of breast. Last evaluated: 2023-09-29. Review status: criteria provided, single submitter. Criteria: ACMG Guidelines, 2015. Collection method: clinical testing. Allele origin: unknown.

Department of Pathology and Laboratory Medicine, Sinai Health System
Classification: Uncertain significance for BRCA2-related cancer predisposition. Last evaluated: 2023-04-14. Review status: criteria provided, single submitter. Criteria: ACMG Guidelines, 2015. Collection method: clinical testing. Allele origin: germline. Affected: no.

GeneDx
Classification: Uncertain significance. Last evaluated: 2023-01-13. Review status: criteria provided, single submitter. Criteria: GeneDx Variant Classification Process June 2021. Collection method: clinical testing. Allele origin: germline. Affected: yes.
Comment: Not observed at significant frequency in large population cohorts (gnomAD); In silico analysis supports that this missense variant does not alter protein structure/function; Has not been previously published as pathogenic or benign to our knowledge; Also known as 9503A>T; This variant is associated with the following publications: (PMID: 12228710)

Fulgent Genetics
Classification: Uncertain significance for Familial cancer of breast; Medulloblastoma; Familial prostate cancer; Wilms tumor 1; Fanconi anemia complementation group D1; Breast-ovarian cancer, familial, susceptibility to, 2; Glioma susceptibility 3; Pancreatic cancer, susceptibility to, 2. Last evaluated: 2021-10-27. Review status: criteria provided, single submitter. Criteria: ACMG Guidelines, 2015. Collection method: clinical testing. Allele origin: unknown.

Quest Diagnostics Nichols Institute San Juan Capistrano
Classification: Uncertain significance. Last evaluated: 2020-06-25. Review status: criteria provided, single submitter. Criteria: Quest Diagnostics criteria. Collection method: clinical testing. Allele origin: unknown.

Sharing Clinical Reports Project (SCRP)
Classification: Uncertain significance for Breast-ovarian cancer, familial 2. Last evaluated: 2007-01-29. Review status: no assertion criteria provided. Collection method: clinical testing. Allele origin: germline. Not counted in ClinVar's aggregate classification.

Literature cited by the submitters: PubMed 39923681 (cited by Women's Health and Genetics/Laboratory Corporation of America, LabCorp); PubMed 31853058 (cited by Color Diagnostics, LLC DBA Color Health).